The following is an entry in ClinVar:

NM_000463.3(UGT1A1):c.1373C>T (p.Ala458Val)

Genes: UGT1A4 (UDP glucuronosyltransferase family 1 member A4; plus strand), UGT1A8 (UDP glucuronosyltransferase family 1 member A8; plus strand), UGT1A9 (UDP glucuronosyltransferase family 1 member A9; plus strand), UGT1A1 (UDP glucuronosyltransferase family 1 member A1; plus strand), UGT1A10 (UDP glucuronosyltransferase family 1 member A10; plus strand) and 5 more. Cytogenetic location: 2q37.1.
Variant type: single nucleotide variant.
Coding change: c.1373C>T on transcript NM_000463.3 (MANE Select); coding-DNA position 1373, C replaced by T.
Protein change: p.Ala458Val; replaces alanine 458 with valine.
Molecular consequence: missense variant.
Genome position (GRCh38, 1-based): chr2:233,772,330, C>T. VCF-style: chr2-233772330-C-T. GRCh37 (hg19) VCF-style: chr2-234680976-C-T.
Other names: c.1364C>T, p.Ala455Val (NM_019075.4, NM_019076.5, NM_019077.3 and 1 more transcripts); c.1370C>T, p.Ala457Val (NM_001072.4); c.569C>T, p.Ala190Val (NM_205862.3); c.1376C>T, p.Ala459Val (NM_019078.2, NM_007120.3, NM_019093.4); short protein forms A458V, A455V, A459V, A457V, A190V.
Identifiers: ClinVar variation 1407928 (VCV001407928.7), dbSNP rs373052727, ClinGen allele CA2180106.

ClinVar aggregate classification (germline): Uncertain significance. Review status: criteria provided, multiple submitters, no conflicts (2 of 4 stars). 2 submissions from 2 submitters: Uncertain significance (2). Last evaluated 2025-06-09.

Allele frequency attached by ClinVar (database versions not stated): gnomAD exomes below 0.00001; ExAC 0.00001; ESP Exome Variant Server 0.00008.
gnomAD v4.1: 2 of 1,614,146 alleles (0.00012%); highest among the groups gnomAD compares: Non-Finnish European, 0.00017%; no homozygotes.

Submissions (2):

Labcorp Genetics (formerly Invitae), Labcorp
Classification: Uncertain significance. Last evaluated: 2025-06-09. Review status: criteria provided, single submitter. Criteria: Invitae Variant Classification Sherloc (09022015). Collection method: clinical testing. Allele origin: germline.
Comment: This sequence change replaces alanine, which is neutral and non-polar, with valine, which is neutral and non-polar, at codon 458 of the UGT1A1 protein (p.Ala458Val). This variant is present in population databases (rs373052727, gnomAD 0.0009%). This variant has not been reported in the literature in individuals affected with UGT1A1-related conditions. ClinVar contains an entry for this variant (Variation ID: 1407928). Invitae Evidence Modeling of protein sequence and biophysical properties (such as structural, functional, and spatial information, amino acid conservation, physicochemical variation, residue mobility, and thermodynamic stability) indicates that this missense variant is not expected to disrupt UGT1A1 protein function with a negative predictive value of 80%. In summary, the available evidence is currently insufficient to determine the role of this variant in disease. Therefore, it has been classified as a Variant of Uncertain Significance.

ARUP Laboratories, Molecular Genetics and Genomics, ARUP Laboratories
Classification: Uncertain significance. Last evaluated: 2024-07-08. Review status: criteria provided, single submitter. Criteria: ARUP Molecular Germline Variant Investigation Process 2024. Collection method: clinical testing. Allele origin: germline.
Comment: The UGT1A1 c.1373C>T; p.Ala458Val variant (rs373052727), to our knowledge, is not reported in the medical literature in UGT1A1-related disorders but is reported in ClinVar (Variation ID: 1407928). This variant is only observed on one allele in the Genome Aggregation Database (v2.1.1), indicating it is not a common polymorphism. Computational analyses are uncertain whether this variant is neutral or deleterious (REVEL: 0.643). Due to limited information, the clinical significance of this variant is uncertain at this time.